The following is an entry in ClinVar:

NM_000455.5(STK11):c.838C>T (p.Pro280Ser)

Gene: STK11 (serine/threonine kinase 11; plus strand). Cytogenetic location: 19p13.3.
Variant type: single nucleotide variant.
Coding change: c.838C>T on transcript NM_000455.5 (MANE Select); coding-DNA position 838, C replaced by T.
Protein change: p.Pro280Ser; replaces proline 280 with serine.
Molecular consequence: missense variant.
Genome position (GRCh38, 1-based): chr19:1,221,316, C>T. VCF-style: chr19-1221316-C-T. GRCh37 (hg19) VCF-style: chr19-1221315-C-T.
Other names: short protein forms P280S.
Identifiers: ClinVar variation 822370 (VCV000822370.18), dbSNP rs1555738708, ClinGen allele CA402950696.

ClinVar aggregate classification (germline): Uncertain significance. Review status: criteria provided, multiple submitters, no conflicts (2 of 4 stars). 4 submissions from 4 submitters: Uncertain significance (4). Last evaluated 2025-07-06.

Conditions:
Hereditary cancer-predisposing syndrome. Also called: Hereditary Cancer Syndrome; Neoplastic Syndromes, Hereditary; Hereditary neoplastic syndrome; Tumor predisposition. Identifiers: Orphanet 140162, MedGen C0027672, MeSH D009386, MONDO:0015356.
Peutz-Jeghers syndrome (PJS). Also called: Peutz-Jeghers polyposis; Periorificial lentiginosis syndrome; POLYPOSIS, HAMARTOMATOUS INTESTINAL; POLYPS-AND-SPOTS SYNDROME. Identifiers: Orphanet 2869, MedGen C0031269, MeSH D010580, MONDO:0008280, OMIM 175200.

Submissions (4):

Labcorp Genetics (formerly Invitae), Labcorp
Classification: Uncertain significance for Peutz-Jeghers syndrome. Last evaluated: 2025-07-06. Review status: criteria provided, single submitter. Criteria: Invitae Variant Classification Sherloc (09022015). Collection method: clinical testing. Allele origin: germline.
Comment: This sequence change replaces proline, which is neutral and non-polar, with serine, which is neutral and polar, at codon 280 of the STK11 protein (p.Pro280Ser). This variant is not present in population databases (gnomAD no frequency). This variant has not been reported in the literature in individuals affected with STK11-related conditions. ClinVar contains an entry for this variant (Variation ID: 822370). Invitae Evidence Modeling of protein sequence and biophysical properties (such as structural, functional, and spatial information, amino acid conservation, physicochemical variation, residue mobility, and thermodynamic stability) indicates that this missense variant is not expected to disrupt STK11 protein function with a negative predictive value of 95%. In summary, the available evidence is currently insufficient to determine the role of this variant in disease. Therefore, it has been classified as a Variant of Uncertain Significance.

Color Diagnostics, LLC DBA Color Health
Classification: Uncertain significance for Hereditary cancer-predisposing syndrome. Last evaluated: 2022-09-19. Review status: criteria provided, single submitter. Criteria: ACMG Guidelines, 2015. Collection method: clinical testing. Allele origin: germline.
Comment: This missense variant replaces proline with serine at codon 280 of the STK11 protein. Computational prediction suggests that this variant may not impact protein structure and function (internally defined REVEL score threshold <= 0.5, PMID: 27666373). To our knowledge, functional studies have not been reported for this variant. This variant has not been reported in individuals affected with hereditary cancer in the literature. This variant has not been identified in the general population by the Genome Aggregation Database (gnomAD). The available evidence is insufficient to determine the role of this variant in disease conclusively. Therefore, this variant is classified as a Variant of Uncertain Significance.

Genome-Nilou Lab
Classification: Uncertain significance for Peutz-Jeghers syndrome. Last evaluated: 2021-07-15. Review status: criteria provided, single submitter. Criteria: ACMG Guidelines, 2015. Collection method: clinical testing. Allele origin: germline. Affected: no.

Ambry Genetics
Classification: Uncertain significance for Hereditary cancer-predisposing syndrome. Last evaluated: 2020-09-30. Review status: criteria provided, single submitter. Criteria: Ambry Variant Classification Scheme 2023. Collection method: clinical testing. Allele origin: germline.
Comment: The p.P280S variant (also known as c.838C>T), located in coding exon 6 of the STK11 gene, results from a C to T substitution at nucleotide position 838. The proline at codon 280 is replaced by serine, an amino acid with similar properties. This amino acid position is highly conserved in available vertebrate species. In addition, this alteration is predicted to be tolerated by in silico analysis. Since supporting evidence is limited at this time, the clinical significance of this alteration remains unclear.